The following is an entry in ClinVar:

ClinVar aggregate classification (germline): Uncertain significance (1 of 4 stars; one submission).

Conditions:
Inborn genetic diseases. Identifiers: MedGen C0950123, MeSH D030342.

Submission:

Ambry Genetics
Classification: Uncertain significance for Inborn genetic diseases. Last evaluated: 2025-05-31. Review status: criteria provided, single submitter. Criteria: Ambry Variant Classification Scheme 2023. Collection method: clinical testing. Allele origin: germline.
Comment: The p.F479I variant (also known as c.1435T>A), located in coding exon 7 of the SH2B3 gene, results from a T to A substitution at nucleotide position 1435. The phenylalanine at codon 479 is replaced by isoleucine, an amino acid with highly similar properties. This amino acid position is conserved. In addition, this alteration is predicted to be tolerated by in silico analysis. Based on the available evidence, the clinical significance of this variant remains unclear.

NM_005475.3(SH2B3):c.1435T>A (p.Phe479Ile)

Gene: SH2B3 (SH2B adaptor protein 3; plus strand). Cytogenetic location: 12q24.12.
Variant type: single nucleotide variant.
Coding change: c.1435T>A on transcript NM_005475.3 (MANE Select); coding-DNA position 1435, T replaced by A.
Protein change: p.Phe479Ile; replaces phenylalanine 479 with isoleucine.
Molecular consequence: missense variant.
Genome position (GRCh38, 1-based): chr12:111,448,009, T>A. VCF-style: chr12-111448009-T-A. GRCh37 (hg19) VCF-style: chr12-111885813-T-A.
Other names: c.829T>A, p.Phe277Ile (NM_001291424.1); short protein forms F277I, F479I.
Identifiers: ClinVar variation 3953537 (VCV003953537.1).